The following is an entry in ClinVar:

NM_201253.3(CRB1):c.1661T>G (p.Val554Gly)

Gene: CRB1 (crumbs cell polarity complex component 1; plus strand). Cytogenetic location: 1q31.3.
Variant type: single nucleotide variant.
Coding change: c.1661T>G on transcript NM_201253.3 (MANE Select); coding-DNA position 1661, T replaced by G.
Protein change: p.Val554Gly; replaces valine 554 with glycine.
Molecular consequence: missense variant. On other transcripts: non-coding transcript variant (2).
Genome position (GRCh38, 1-based): chr1:197,421,489, T>G. VCF-style: chr1-197421489-T-G. GRCh37 (hg19) VCF-style: chr1-197390619-T-G.
Other names: c.1325T>G, p.Val442Gly (NM_001193640.2); c.1454T>G, p.Val485Gly (NM_001257965.2); c.1661T>G, p.Val554Gly (NM_001257966.2); short protein forms V442G, V554G, V485G.
Identifiers: ClinVar variation 2148208 (VCV002148208.2), dbSNP rs773589572, ClinGen allele CA1311951.

ClinVar aggregate classification (germline): Uncertain significance. Review status: criteria provided, multiple submitters, no conflicts (2 of 4 stars). 2 submissions from 2 submitters: Uncertain significance (2). Last evaluated 2022-03-09.

Conditions:
Retinitis pigmentosa 12 (RP12). Also called: RP WITH OR WITHOUT PRESERVED PARAARTERIOLE RETINAL PIGMENT EPITHELIUM; RETINITIS PIGMENTOSA WITH OR WITHOUT PARAARTERIOLAR PRESERVATION OF RETINAL PIGMENT EPITHELIUM; RP WITH OR WITHOUT PPRPE. Identifiers: Orphanet 791, MedGen C1838647, MONDO:0010818, OMIM 600105.
Leber congenital amaurosis 8 (LCA8). Identifiers: Orphanet 65, MedGen C3151202, MONDO:0013453, OMIM 613835.

Allele frequency attached by ClinVar (database versions not stated): TOPMed below 0.00001; ExAC 0.00001; gnomAD 0.00001; gnomAD exomes 0.00001.
gnomAD v4.1: 8 of 1,614,094 alleles (0.0005%); highest among the groups gnomAD compares: Admixed American, 0.013%; no homozygotes.

Submissions (2):

Labcorp Genetics (formerly Invitae), Labcorp
Classification: Uncertain significance for Leber congenital amaurosis 8; Retinitis pigmentosa 12. Last evaluated: 2022-03-09. Review status: criteria provided, single submitter. Criteria: Invitae Variant Classification Sherloc (09022015). Collection method: clinical testing. Allele origin: germline.
Comment: This sequence change replaces valine, which is neutral and non-polar, with glycine, which is neutral and non-polar, at codon 554 of the CRB1 protein (p.Val554Gly). This variant is present in population databases (rs773589572, gnomAD 0.01%). This variant has not been reported in the literature in individuals affected with CRB1-related conditions. Advanced modeling of protein sequence and biophysical properties (such as structural, functional, and spatial information, amino acid conservation, physicochemical variation, residue mobility, and thermodynamic stability) performed at Invitae indicates that this missense variant is not expected to disrupt CRB1 protein function. In summary, the available evidence is currently insufficient to determine the role of this variant in disease. Therefore, it has been classified as a Variant of Uncertain Significance.

Blueprint Genetics
Classification: Uncertain significance. Last evaluated: 2020-10-14. Review status: criteria provided, single submitter. Criteria: ACMG Guidelines, 2015. Collection method: clinical testing. Allele origin: germline.